The following is an entry in ClinVar:

ClinVar aggregate classification (germline): Uncertain significance (1 of 4 stars; one submission).

Conditions:
Hereditary cancer-predisposing syndrome. Also called: Neoplastic Syndromes, Hereditary; Tumor predisposition; Hereditary neoplastic syndrome; Hereditary Cancer Syndrome. Identifiers: Orphanet 140162, MedGen C0027672, MeSH D009386, MONDO:0015356.

Submission:

Ambry Genetics
Classification: Uncertain significance for Hereditary cancer-predisposing syndrome. Last evaluated: 2026-07-25. Review status: criteria provided, single submitter. Criteria: Ambry Variant Classification Scheme 2023. Collection method: clinical testing. Allele origin: germline.
Comment: The p.L40P variant (also known as c.119T>C), located in coding exon 2 of the MRE11A gene, results from a T to C substitution at nucleotide position 119. The leucine at codon 40 is replaced by proline, an amino acid with similar properties. This amino acid position is conserved. In addition, this alteration is predicted to be deleterious by in silico analysis. Based on the available evidence, the clinical significance of this variant remains unclear.

NM_005591.4(MRE11):c.119T>C (p.Leu40Pro)

Gene: MRE11 (MRE11 double strand break repair nuclease; minus strand). Cytogenetic location: 11q21.
Variant type: single nucleotide variant.
Coding change: c.119T>C on transcript NM_005591.4 (MANE Select); coding-DNA position 119, T replaced by C.
Protein change: p.Leu40Pro; replaces leucine 40 with proline.
Molecular consequence: missense variant. On other transcripts: 5 prime UTR variant (3).
Genome position (GRCh38, 1-based): chr11:94,490,867, A>G on the plus strand (T>C on the coding strand, the complement: MRE11 is on the minus strand). VCF-style: chr11-94490867-A-G. GRCh37 (hg19) VCF-style: chr11-94224033-A-G.
Other names: c.119T>C, p.Leu40Pro (NM_001330347.2, NM_001440460.1, NM_001440461.1 and 21 more transcripts); c.44T>C, p.Leu15Pro (NM_001440471.1, NM_001440472.1, NM_001440479.1); c.-346T>C (NM_001440485.1, NM_001440486.1, NM_001440487.1); short protein forms L15P, L40P.
Identifiers: ClinVar variation 5024680 (VCV005024680.1).